The following is an entry in ClinVar:

NM_014000.3(VCL):c.2860C>A (p.Leu954Met)

Gene: VCL (vinculin; plus strand). Cytogenetic location: 10q22.2.
Variant type: single nucleotide variant.
Coding change: c.2860C>A on transcript NM_014000.3 (MANE Select); coding-DNA position 2860, C replaced by A.
Protein change: p.Leu954Met; replaces leucine 954 with methionine.
Molecular consequence: missense variant. On other transcripts: intron variant (1).
Genome position (GRCh38, 1-based): chr10:74,112,023, C>A. VCF-style: chr10-74112023-C-A. GRCh37 (hg19) VCF-style: chr10-75871781-C-A.
Other names: c.2746-2161C>A (NM_003373.4); short protein forms L954M.
Identifiers: ClinVar variation 2761124 (VCV002761124.3), dbSNP rs1564534993, ClinGen allele CA377264754.

ClinVar aggregate classification (germline): Uncertain significance (1 of 4 stars; one submission).

Conditions:
Dilated cardiomyopathy 1W (CMD1W). Identifiers: Orphanet 154, MedGen C1969639, MONDO:0012667, OMIM 611407.

Allele frequency attached by ClinVar (database versions not stated): gnomAD exomes below 0.00001; gnomAD 0.00001; TOPMed 0.00002.
gnomAD v4.1: 3 of 1,614,120 alleles (0.00019%); highest among the groups gnomAD compares: Admixed American, 0.005%; no homozygotes.

Submission:

Labcorp Genetics (formerly Invitae), Labcorp
Classification: Uncertain significance for Dilated cardiomyopathy 1W. Last evaluated: 2023-12-28. Review status: criteria provided, single submitter. Criteria: Invitae Variant Classification Sherloc (09022015). Collection method: clinical testing. Allele origin: germline.
Comment: This sequence change replaces leucine, which is neutral and non-polar, with methionine, which is neutral and non-polar, at codon 954 of the VCL protein (p.Leu954Met). This variant is present in population databases (no rsID available, gnomAD 0.003%). This variant has not been reported in the literature in individuals affected with VCL-related conditions. An algorithm developed to predict the effect of missense changes on protein structure and function (PolyPhen-2) suggests that this variant is likely to be disruptive. In summary, the available evidence is currently insufficient to determine the role of this variant in disease. Therefore, it has been classified as a Variant of Uncertain Significance.